The following is an entry in ClinVar:

NM_152743.4(BRAT1):c.1088G>T (p.Gly363Val)

Gene: BRAT1 (BRCA1 associated ATM activator 1; minus strand). Cytogenetic location: 7p22.3.
Variant type: single nucleotide variant.
Coding change: c.1088G>T on transcript NM_152743.4 (MANE Select); coding-DNA position 1088, G replaced by T.
Protein change: p.Gly363Val; replaces glycine 363 with valine.
Molecular consequence: missense variant. On other transcripts: non-coding transcript variant (1).
Genome position (GRCh38, 1-based): chr7:2,541,764, C>A on the plus strand (G>T on the coding strand, the complement: BRAT1 is on the minus strand). VCF-style: chr7-2541764-C-A. GRCh37 (hg19) VCF-style: chr7-2581398-C-A.
Other names: c.1088G>T, p.Gly363Val (NM_001350626.2); c.563G>T, p.Gly188Val (NM_001350627.2); short protein forms G363V, G188V.
Identifiers: ClinVar variation 1500782 (VCV001500782.8), dbSNP rs775308669, ClinGen allele CA366629729.

ClinVar aggregate classification (germline): Uncertain significance (1 of 4 stars; one submission).

Conditions:
Neonatal-onset encephalopathy with rigidity and seizures. Also called: Lethal neonatal spasticity-epileptic encephalopathy syndrome. Identifiers: Orphanet 435845, MedGen C3281029, MONDO:0013784, OMIM 614498.

Submission:

Labcorp Genetics (formerly Invitae), Labcorp
Classification: Uncertain significance for Neonatal-onset encephalopathy with rigidity and seizures. Last evaluated: 2024-05-06. Review status: criteria provided, single submitter. Criteria: Invitae Variant Classification Sherloc (09022015). Collection method: clinical testing. Allele origin: germline.
Comment: This sequence change replaces glycine, which is neutral and non-polar, with valine, which is neutral and non-polar, at codon 363 of the BRAT1 protein (p.Gly363Val). This variant is not present in population databases (gnomAD no frequency). This variant has not been reported in the literature in individuals affected with BRAT1-related conditions. ClinVar contains an entry for this variant (Variation ID: 1500782). Advanced modeling of protein sequence and biophysical properties (such as structural, functional, and spatial information, amino acid conservation, physicochemical variation, residue mobility, and thermodynamic stability) performed at Invitae indicates that this missense variant is expected to disrupt BRAT1 protein function with a positive predictive value of 80%. In summary, the available evidence is currently insufficient to determine the role of this variant in disease. Therefore, it has been classified as a Variant of Uncertain Significance.